The following is an entry in ClinVar:

NM_024649.5(BBS1):c.951+9C>T

Genes: BBS1 (Bardet-Biedl syndrome 1; plus strand), ZDHHC24 (zDHHC palmitoyltransferase 24; minus strand). Cytogenetic location: 11q13.2.
Variant type: single nucleotide variant.
Coding change: c.951+9C>T on transcript NM_024649.5 (MANE Select); 9 bases into the intron after coding-DNA position 951, C replaced by T.
Molecular consequence: intron variant.
Genome position (GRCh38, 1-based): chr11:66,523,585, C>T. VCF-style: chr11-66523585-C-T. GRCh37 (hg19) VCF-style: chr11-66291056-C-T.
Other names: c.*22-2119G>A (NM_001348571.2).
Identifiers: ClinVar variation 4994724 (VCV004994724.1).
Genomic context (GRCh38, chr11:66,523,585, plus strand): 5'-GGTCCTAGTGGTGGGCAGCACCCAAGACAGCCTGCATGGCTTCACCCACAAGGTGCAGCC[C>T]CCAGCAAGCAGCAGCCCCTCCACGCCTATGTCCCTAGCCCCCACTTGGCAAGAGAGTCCT-3'

ClinVar aggregate classification (germline): Likely benign (1 of 4 stars; one submission).

Conditions:
BBS1-related disorder. Also called: BBS1-related condition.

gnomAD v4.1: 1 of 1,614,094 alleles (0.000062%); no homozygotes.

Submission:

PreventionGenetics, part of Exact Sciences
Classification: Likely benign for BBS1-related condition. Last evaluated: 2026-04-29. Review status: criteria provided, single submitter. Criteria: ACMG Guidelines, 2015. Collection method: clinical testing. Allele origin: germline.
Comment: This variant is classified as likely benign based on ACMG/AMP sequence variant interpretation guidelines (Richards et al. 2015 PMID: 25741868, with internal and published modifications).